The following is an entry in ClinVar:

NM_014244.5(ADAMTS2):c.2258T>C (p.Ile753Thr)

Gene: ADAMTS2 (ADAM metallopeptidase with thrombospondin type 1 motif 2; minus strand). Cytogenetic location: 5q35.3.
Variant type: single nucleotide variant.
Coding change: c.2258T>C on transcript NM_014244.5 (MANE Select); coding-DNA position 2258, T replaced by C.
Protein change: p.Ile753Thr; replaces isoleucine 753 with threonine.
Molecular consequence: missense variant.
Genome position (GRCh38, 1-based): chr5:179,132,262, A>G on the plus strand (T>C on the coding strand, the complement: ADAMTS2 is on the minus strand). VCF-style: chr5-179132262-A-G. GRCh37 (hg19) VCF-style: chr5-178559263-A-G.
Other names: short protein forms I753T.
Identifiers: ClinVar variation 2174538 (VCV002174538.1), dbSNP rs2480178285, ClinGen allele CA362424950.

ClinVar aggregate classification (germline): Uncertain significance (1 of 4 stars; one submission).

Conditions:
Ehlers-Danlos syndrome, dermatosparaxis type. Also called: Dermatosparaxis; Ehlers-Danlos syndrome, type VII, autosomal recessive; EDS VIIC. Identifiers: Orphanet 1901, MedGen C2700425, MONDO:0009161, OMIM 225410.

Allele frequency attached by ClinVar (database versions not stated): gnomAD exomes below 0.00001.
gnomAD v4.1: 1 of 1,614,200 alleles (0.000062%); highest among the groups gnomAD compares: Non-Finnish European, 0.000085%; no homozygotes.

Submission:

Labcorp Genetics (formerly Invitae), Labcorp
Classification: Uncertain significance for Ehlers-Danlos syndrome, dermatosparaxis type. Last evaluated: 2022-07-15. Review status: criteria provided, single submitter. Criteria: Invitae Variant Classification Sherloc (09022015). Collection method: clinical testing. Allele origin: germline.
Comment: This sequence change replaces isoleucine, which is neutral and non-polar, with threonine, which is neutral and polar, at codon 753 of the ADAMTS2 protein (p.Ile753Thr). This variant is not present in population databases (gnomAD no frequency). This variant has not been reported in the literature in individuals affected with ADAMTS2-related conditions. Algorithms developed to predict the effect of missense changes on protein structure and function are either unavailable or do not agree on the potential impact of this missense change (SIFT: "Deleterious"; PolyPhen-2: "Benign"; Align-GVGD: "Class C65"). In summary, the available evidence is currently insufficient to determine the role of this variant in disease. Therefore, it has been classified as a Variant of Uncertain Significance.